The following is an entry in ClinVar:

ClinVar aggregate classification (germline): Uncertain significance (1 of 4 stars; one submission).

Conditions:
Beta-D-mannosidosis (MANSB). Also called: MANNOSIDOSIS, BETA A, LYSOSOMAL; BETA-MANNOSIDASE DEFICIENCY; LYSOSOMAL BETA-MANNOSIDASE DEFICIENCY; Beta-Mannosidosis. Identifiers: Orphanet 118, MedGen C4048196, MONDO:0009562, OMIM 248510.

Submission:

Labcorp Genetics (formerly Invitae), Labcorp
Classification: Uncertain significance for Beta-D-mannosidosis. Last evaluated: 2020-11-18. Review status: criteria provided, single submitter. Criteria: Invitae Variant Classification Sherloc (09022015). Collection method: clinical testing. Allele origin: germline.
Comment: This sequence change replaces leucine with tryptophan at codon 830 of the MANBA protein (p.Leu830Trp). The leucine residue is highly conserved and there is a small physicochemical difference between leucine and tryptophan. This variant is not present in population databases (ExAC no frequency). This variant has not been reported in the literature in individuals with MANBA-related conditions. Algorithms developed to predict the effect of missense changes on protein structure and function are either unavailable or do not agree on the potential impact of this missense change (SIFT: "Deleterious"; PolyPhen-2: "Probably Damaging"; Align-GVGD: "Class C0"). In summary, the available evidence is currently insufficient to determine the role of this variant in disease. Therefore, it has been classified as a Variant of Uncertain Significance.

NM_005908.4(MANBA):c.2489T>G (p.Leu830Trp)

Gene: MANBA (mannosidase beta; minus strand). Cytogenetic location: 4q24.
Variant type: single nucleotide variant.
Coding change: c.2489T>G on transcript NM_005908.4 (MANE Select); coding-DNA position 2489, T replaced by G.
Protein change: p.Leu830Trp; replaces leucine 830 with tryptophan.
Molecular consequence: missense variant.
Genome position (GRCh38, 1-based): chr4:102,632,208, A>C on the plus strand (T>G on the coding strand, the complement: MANBA is on the minus strand). VCF-style: chr4-102632208-A-C. GRCh37 (hg19) VCF-style: chr4-103553365-A-C.
Other names: short protein forms L830W.
Identifiers: ClinVar variation 1000549 (VCV001000549.5), dbSNP rs1729412034, ClinGen allele CA357756369.